The following is an entry in ClinVar:

NM_016373.4(WWOX):c.835C>T (p.Arg279Cys)

Gene: WWOX (WW domain containing oxidoreductase; plus strand). Cytogenetic location: 16q23.1.
Variant type: single nucleotide variant.
Coding change: c.835C>T on transcript NM_016373.4 (MANE Select); coding-DNA position 835, C replaced by T.
Protein change: p.Arg279Cys; replaces arginine 279 with cysteine.
Molecular consequence: missense variant.
Genome position (GRCh38, 1-based): chr16:78,432,531, C>T. VCF-style: chr16-78432531-C-T. GRCh37 (hg19) VCF-style: chr16-78466428-C-T.
Other names: c.496C>T, p.Arg166Cys (NM_001291997.2); short protein forms R279C, R166C.
Identifiers: ClinVar variation 235342 (VCV000235342.38), dbSNP rs77314072, ClinGen allele CA8183508.

ClinVar aggregate classification (germline): Benign/Likely benign. Review status: criteria provided, multiple submitters, no conflicts (2 of 4 stars). 8 submissions from 7 submitters: Benign (6); Likely benign (2). Last evaluated 2026-02-03.

Conditions:
Developmental and epileptic encephalopathy, 1 (DEE1). Also called: Tonic spasms with clustering, arrest of psychomotor development and hypsarrhythmia on EEG; X-Linked Infantile Spasm Syndrome; OHTAHARA SYNDROME, X-LINKED; X-linked infantile spasms; West's syndrome; Epileptic encephalopathy, early infantile, 1. Identifiers: MedGen C3463992, MONDO:0010632, OMIM 308350. Disease mechanism: loss of function.
Autosomal recessive spinocerebellar ataxia 12. Also called: SPINOCEREBELLAR ATAXIA WITH MENTAL RETARDATION AND EPILEPSY. Identifiers: Orphanet 284282, MedGen C3280452, MONDO:0013687, OMIM 614322.
Developmental and epileptic encephalopathy, 28 (DEE28). Also called: Epileptic encephalopathy, early infantile, 28. Identifiers: Orphanet 442835, MedGen C4015519, MONDO:0014533, OMIM 616211.

Allele frequency attached by ClinVar (database versions not stated): gnomAD exomes 0.00044 and 0.00116; ExAC 0.00129; ESP Exome Variant Server 0.00386; gnomAD 0.00416 and 0.00444; TOPMed 0.00510; 1000 Genomes Project 0.00599; 1000 Genomes Project 30x 0.00625.
gnomAD v4.1: 1,335 of 1,614,092 alleles (0.083%); highest among the groups gnomAD compares: African/African-American, 1.5%; 9 homozygotes.

Submissions (8):

Labcorp Genetics (formerly Invitae), Labcorp
Classification: Benign for Developmental and epileptic encephalopathy, 1; Autosomal recessive spinocerebellar ataxia 12. Last evaluated: 2026-02-03. Review status: criteria provided, single submitter. Criteria: Invitae Variant Classification Sherloc (09022015). Collection method: clinical testing. Allele origin: germline.

ARUP Laboratories, Molecular Genetics and Genomics, ARUP Laboratories
Classification: Likely benign. Last evaluated: 2025-03-17. Review status: criteria provided, single submitter. Criteria: ARUP Molecular Germline Variant Investigation Process 2024. Collection method: clinical testing. Allele origin: germline.

CeGaT Center for Human Genetics Tuebingen
Classification: Benign. Last evaluated: 2023-12-01. Review status: criteria provided, single submitter. Criteria: CeGaT Center For Human Genetics Tuebingen Variant Classification Criteria Version 2. Collection method: clinical testing. Allele origin: germline. Affected: yes. Observed: 1 variant allele.
Comment: WWOX: BP4, BS1, BS2

Genome-Nilou Lab
Classification: Benign for Developmental and epileptic encephalopathy, 28. Last evaluated: 2021-12-05. Review status: criteria provided, single submitter. Criteria: ACMG Guidelines, 2015. Collection method: clinical testing. Allele origin: germline. Affected: no.

Genome-Nilou Lab
Classification: Benign for Autosomal recessive spinocerebellar ataxia 12. Last evaluated: 2021-12-05. Review status: criteria provided, single submitter. Criteria: ACMG Guidelines, 2015. Collection method: clinical testing. Allele origin: germline. Affected: no.

Athena Diagnostics
Classification: Benign. Last evaluated: 2018-08-07. Review status: criteria provided, single submitter. Criteria: Athena Diagnostics Criteria. Collection method: clinical testing. Allele origin: germline.

GeneDx
Classification: Benign. Last evaluated: 2017-12-22. Review status: criteria provided, single submitter. Criteria: GeneDx Variant Classification (06012015). Collection method: clinical testing. Allele origin: germline. Affected: yes.
Comment: This variant is considered likely benign or benign based on one or more of the following criteria: it is a conservative change, it occurs at a poorly conserved position in the protein, it is predicted to be benign by multiple in silico algorithms, and/or has population frequency not consistent with disease.

Center for Pediatric Genomic Medicine, Children's Mercy Hospital and Clinics
Classification: Likely benign. Last evaluated: 2015-10-28. Review status: criteria provided, single submitter. Criteria: ACMG Guidelines, 2015. Collection method: clinical testing. Allele origin: germline.
ClinVar note: Converted during submission from Likely Benign to Likely benign.